The following is an entry in ClinVar:

ClinVar aggregate classification (germline): Uncertain significance. Review status: criteria provided, multiple submitters, no conflicts (2 of 4 stars). 6 submissions from 6 submitters: Uncertain significance (6). Last evaluated 2025-09-05.

Conditions:
Cardiovascular phenotype. Identifiers: MedGen CN230736.
Hypertrophic cardiomyopathy 14. Identifiers: MedGen C2750467, MONDO:0013197, OMIM 613251.
Sick sinus syndrome 3, susceptibility to (SSS3). Identifiers: Orphanet 166282, MedGen C3279791, MONDO:0013568, OMIM 614090.
Dilated cardiomyopathy 1EE (CMD1EE). Identifiers: Orphanet 154, MedGen C2750466, MONDO:0013198, OMIM 613252.
Atrial septal defect 3 (ASD3). Identifiers: Orphanet 1478, MedGen C3279790, MONDO:0013567, OMIM 614089.

Allele frequency attached by ClinVar (database versions not stated): gnomAD exomes below 0.00001; TOPMed 0.00001; ESP Exome Variant Server 0.00008.
gnomAD v4.1: 5 of 1,614,078 alleles (0.00031%); highest among the groups gnomAD compares: Non-Finnish European, 0.00042%; no homozygotes.

Submissions (6):

Ambry Genetics
Classification: Uncertain significance for Cardiovascular phenotype. Last evaluated: 2025-09-05. Review status: criteria provided, single submitter. Criteria: Ambry Variant Classification Scheme 2023. Collection method: clinical testing. Allele origin: germline.
Comment: The p.D168H variant (also known as c.502G>C), located in coding exon 3 of the MYH6 gene, results from a G to C substitution at nucleotide position 502. The aspartic acid at codon 168 is replaced by histidine, an amino acid with similar properties. However, this change occurs in the last base pair of coding exon 3, which makes it likely to have some effect on normal mRNA splicing. This nucleotide position is highly conserved in available vertebrate species. This amino acid position is highly conserved in available vertebrate species. In silico splice site analysis predicts that this alteration may result in the creation or strengthening of a novel splice donor site. In addition, as a missense substitution this is predicted to be inconclusive by in silico analysis. However, loss of function has not been established as a mechanism of disease. Based on the available evidence, the clinical significance of this alteration remains unclear.

Labcorp Genetics (formerly Invitae), Labcorp
Classification: Uncertain significance for Hypertrophic cardiomyopathy 14. Last evaluated: 2025-08-29. Review status: criteria provided, single submitter. Criteria: Invitae Variant Classification Sherloc (09022015). Collection method: clinical testing. Allele origin: germline.
Comment: This sequence change replaces aspartic acid, which is acidic and polar, with histidine, which is basic and polar, at codon 168 of the MYH6 protein (p.Asp168His). This variant also falls at the last nucleotide of exon 5, which is part of the consensus splice site for this exon. This variant is present in population databases (rs145149045, gnomAD 0.002%). This variant has not been reported in the literature in individuals affected with MYH6-related conditions. ClinVar contains an entry for this variant (Variation ID: 1706991). An algorithm developed to predict the effect of missense changes on protein structure and function (PolyPhen-2) suggests that this variant is likely to be disruptive. Variants that disrupt the consensus splice site are a relatively common cause of aberrant splicing (PMID: 17576681, 9536098). In summary, the available evidence is currently insufficient to determine the role of this variant in disease. Therefore, it has been classified as a Variant of Uncertain Significance.

Genomic Medicine Center of Excellence, King Faisal Specialist Hospital and Research Centre
Classification: Uncertain significance for Atrial septal defect 3. Last evaluated: 2024-12-19. Review status: criteria provided, single submitter. Criteria: ACMG Guidelines, 2015. Collection method: clinical testing. Allele origin: germline.

Fulgent Genetics
Classification: Uncertain significance for Hypertrophic cardiomyopathy 14; Dilated cardiomyopathy 1EE; Atrial septal defect 3; Sick sinus syndrome 3, susceptibility to. Last evaluated: 2024-04-24. Review status: criteria provided, single submitter. Criteria: ACMG Guidelines, 2015. Collection method: clinical testing. Allele origin: germline.

Blueprint Genetics
Classification: Uncertain significance. Last evaluated: 2023-10-08. Review status: criteria provided, single submitter. Criteria: ACMG Guidelines, 2015. Collection method: clinical testing. Allele origin: germline.

GeneDx
Classification: Uncertain significance. Last evaluated: 2022-03-23. Review status: criteria provided, single submitter. Criteria: GeneDx Variant Classification Process June 2021. Collection method: clinical testing. Allele origin: germline. Affected: yes.
Comment: Has not been previously published as pathogenic or benign to our knowledge; Not observed at significant frequency in large population cohorts (gnomAD); In silico analysis supports that this missense variant has a deleterious effect on protein structure/function

Literature cited by the submitters: PubMed 17576681 (cited by Labcorp Genetics (formerly Invitae), Labcorp); PubMed 9536098 (cited by Labcorp Genetics (formerly Invitae), Labcorp).

NM_002471.4(MYH6):c.502G>C (p.Asp168His)

Genes: MYH6 (myosin heavy chain 6; minus strand), LOC114827851 (VISTA enhancer hs2155; plus strand). Cytogenetic location: 14q11.2.
Variant type: single nucleotide variant.
Coding change: c.502G>C on transcript NM_002471.4 (MANE Select); coding-DNA position 502, G replaced by C.
Protein change: p.Asp168His; replaces aspartic acid 168 with histidine.
Molecular consequence: missense variant.
Genome position (GRCh38, 1-based): chr14:23,405,223, C>G on the plus strand (G>C on the coding strand, the complement: MYH6 is on the minus strand). VCF-style: chr14-23405223-C-G. GRCh37 (hg19) VCF-style: chr14-23874432-C-G.
Other names: short protein forms D168H.
Identifiers: ClinVar variation 1706991 (VCV001706991.11), dbSNP rs145149045, ClinGen allele CA257798596.